The following is an entry in ClinVar:

NM_032119.4(ADGRV1):c.11895A>G (p.Glu3965=)

Gene: ADGRV1 (adhesion G protein-coupled receptor V1; plus strand). Cytogenetic location: 5q14.3.
Variant type: single nucleotide variant.
Coding change: c.11895A>G on transcript NM_032119.4 (MANE Select); coding-DNA position 11895, A replaced by G.
Protein change: p.Glu3965=; no amino-acid change (glutamic acid 3965 retained).
Molecular consequence: synonymous variant. On other transcripts: non-coding transcript variant (1).
Genome position (GRCh38, 1-based): chr5:90,757,116, A>G. VCF-style: chr5-90757116-A-G. GRCh37 (hg19) VCF-style: chr5-90052933-A-G.
Other names: c.11895A>G (NM_032119.3).
Identifiers: ClinVar variation 1943691 (VCV001943691.6), dbSNP rs773626217, ClinGen allele CA3341071.

ClinVar aggregate classification (germline): Likely benign. Review status: criteria provided, multiple submitters, no conflicts (2 of 4 stars). 2 submissions from 2 submitters: Likely benign (2). Last evaluated 2026-03-26.

Conditions:
ADGRV1-related disorder. Also called: ADGRV1-related condition; ADGRV1-related disorders.

Allele frequency attached by ClinVar (database versions not stated): gnomAD 0.00001; TOPMed 0.00001; ExAC 0.00002; gnomAD exomes 0.00003.
gnomAD v4.1: 38 of 1,613,862 alleles (0.0024%); highest among the groups gnomAD compares: Non-Finnish European, 0.0031%; no homozygotes.

Submissions (2):

PreventionGenetics, part of Exact Sciences
Classification: Likely benign for ADGRV1-related condition. Last evaluated: 2026-03-26. Review status: criteria provided, single submitter. Criteria: ACMG Guidelines, 2015. Collection method: clinical testing. Allele origin: germline.
Comment: This variant is classified as likely benign based on ACMG/AMP sequence variant interpretation guidelines (Richards et al. 2015 PMID: 25741868, with internal and published modifications).

Labcorp Genetics (formerly Invitae), Labcorp
Classification: Likely benign. Last evaluated: 2025-07-22. Review status: criteria provided, single submitter. Criteria: Invitae Variant Classification Sherloc (09022015). Collection method: clinical testing. Allele origin: germline.